The following is an entry in ClinVar:

NM_018191.4(RCBTB1):c.321T>G (p.Leu107=)

Gene: RCBTB1 (RCC1 and BTB domain containing protein 1; minus strand). Cytogenetic location: 13q14.2.
Variant type: single nucleotide variant.
Coding change: c.321T>G on transcript NM_018191.4 (MANE Select); coding-DNA position 321, T replaced by G.
Protein change: p.Leu107=; no amino-acid change (leucine 107 retained).
Molecular consequence: synonymous variant. On other transcripts: 5 prime UTR variant (1), non-coding transcript variant (2).
Genome position (GRCh38, 1-based): chr13:49,560,041, A>C on the plus strand (T>G on the coding strand, the complement: RCBTB1 is on the minus strand). VCF-style: chr13-49560041-A-C. GRCh37 (hg19) VCF-style: chr13-50134177-A-C.
Other names: c.321T>G, p.Leu107= (NM_001352500.2, NM_001352501.2, NM_001352502.2 and 3 more transcripts); c.-289T>G (NM_001352506.2); c.321T>G (NM_018191.3).
Identifiers: ClinVar variation 1588754 (VCV001588754.9), dbSNP rs774882350, ClinGen allele CA6982918.

ClinVar aggregate classification (germline): Likely benign. Review status: criteria provided, multiple submitters, no conflicts (2 of 4 stars). 2 submissions from 2 submitters: Likely benign (2). Last evaluated 2024-12-12.

Conditions:
RCBTB1-related disorder. Also called: RCBTB1-related condition.

Allele frequency attached by ClinVar (database versions not stated): TOPMed below 0.00001; ExAC 0.00001; gnomAD 0.00001.
gnomAD v4.1: 1 of 1,614,030 alleles (0.000062%); highest among the groups gnomAD compares: African/African-American, 0.0013%; no homozygotes.

Submissions (2):

PreventionGenetics, part of Exact Sciences
Classification: Likely benign for RCBTB1-related condition. Last evaluated: 2024-12-12. Review status: criteria provided, single submitter. Criteria: ACMG Guidelines, 2015. Collection method: clinical testing. Allele origin: germline.
Comment: This variant is classified as likely benign based on ACMG/AMP sequence variant interpretation guidelines (Richards et al. 2015 PMID: 25741868, with internal and published modifications).

Labcorp Genetics (formerly Invitae), Labcorp
Classification: Likely benign. Last evaluated: 2022-04-25. Review status: criteria provided, single submitter. Criteria: Invitae Variant Classification Sherloc (09022015). Collection method: clinical testing. Allele origin: germline.